The following is an entry in ClinVar:

NM_002769.5(PRSS1):c.665A>C (p.Gln222Pro)

Genes: PRSS1 (serine protease 1; plus strand), TRB (T cell receptor beta locus; plus strand). Cytogenetic location: 7q34.
Variant type: single nucleotide variant.
Coding change: c.665A>C on transcript NM_002769.5 (MANE Select); coding-DNA position 665, A replaced by C.
Protein change: p.Gln222Pro; replaces glutamine 222 with proline.
Molecular consequence: missense variant. On other transcripts: non-coding transcript variant (5).
Genome position (GRCh38, 1-based): chr7:142,752,941, A>C. VCF-style: chr7-142752941-A-C. GRCh37 (hg19) VCF-style: chr7-142460792-A-C.
Other names: short protein forms Q222P.
Identifiers: ClinVar variation 5027400 (VCV005027400.1).

ClinVar aggregate classification (germline): Uncertain significance (1 of 4 stars; one submission).

Conditions:
Hereditary pancreatitis (PCTT). Also called: Hereditary chronic pancreatitis; PRSS1-Related Hereditary Pancreatitis. Identifiers: Orphanet 676, MedGen C0238339, MONDO:0008185, OMIM 167800.

Submission:

Ambry Genetics
Classification: Uncertain significance for Hereditary pancreatitis. Last evaluated: 2026-07-23. Review status: criteria provided, single submitter. Criteria: Ambry Variant Classification Scheme 2023. Collection method: clinical testing. Allele origin: germline.
Comment: The p.Q222P variant (also known as c.665A>C), located in coding exon 5 of the PRSS1 gene, results from an A to C substitution at nucleotide position 665. The glutamine at codon 222 is replaced by proline, an amino acid with similar properties. This amino acid position is conserved. In addition, the in silico prediction for this alteration is inconclusive. Based on the available evidence, the clinical significance of this variant remains unclear.